The following is an entry in ClinVar:

ClinVar aggregate classification (germline): Uncertain significance. Review status: criteria provided, multiple submitters, no conflicts (2 of 4 stars). 2 submissions from 2 submitters: Uncertain significance (2). Last evaluated 2023-11-17.

Conditions:
3-Methylglutaconic aciduria type 3 (MGCA3). Also called: OPA3, AUTOSOMAL RECESSIVE; OPTIC ATROPHY 3, AUTOSOMAL RECESSIVE; OPA3-Related 3-Methylglutaconic Aciduria; Costeff Syndrome. Identifiers: Orphanet 67047, MedGen C0574084, MONDO:0009787, OMIM 258501.
Optic atrophy 3 (OPA3). Also called: OPTIC ATROPHY 3, AUTOSOMAL DOMINANT; Optic atrophy, cataract, and neurologic disorder; Optic atrophy 3 with cataract. Identifiers: Orphanet 67036, MedGen C1833809, MONDO:0008133, OMIM 165300.

Allele frequency attached by ClinVar (database versions not stated): gnomAD 0.00002.

Submissions (2):

Labcorp Genetics (formerly Invitae), Labcorp
Classification: Uncertain significance for 3-Methylglutaconic aciduria type 3; Optic atrophy 3. Last evaluated: 2023-11-17. Review status: criteria provided, single submitter. Criteria: Invitae Variant Classification Sherloc (09022015). Collection method: clinical testing. Allele origin: germline.
Comment: This sequence change replaces alanine, which is neutral and non-polar, with valine, which is neutral and non-polar, at codon 132 of the OPA3 protein (p.Ala132Val). This variant is not present in population databases (gnomAD no frequency). This variant has not been reported in the literature in individuals affected with OPA3-related conditions. An algorithm developed to predict the effect of missense changes on protein structure and function (PolyPhen-2) suggests that this variant is likely to be tolerated. In summary, the available evidence is currently insufficient to determine the role of this variant in disease. Therefore, it has been classified as a Variant of Uncertain Significance.

Blueprint Genetics
Classification: Uncertain significance. Last evaluated: 2022-06-10. Review status: criteria provided, single submitter. Criteria: ACMG Guidelines, 2015. Collection method: clinical testing. Allele origin: germline.

NM_025136.4(OPA3):c.395C>T (p.Ala132Val)

Genes: OPA3 (outer mitochondrial membrane lipid metabolism regulator OPA3; minus strand), OPA3-RTN2 (OPA3-RTN2 readthrough; minus strand). Cytogenetic location: 19q13.32.
Variant type: single nucleotide variant.
Coding change: c.395C>T on transcript NM_025136.4 (MANE Select); coding-DNA position 395, C replaced by T.
Protein change: p.Ala132Val; replaces alanine 132 with valine.
Molecular consequence: missense variant. On other transcripts: intron variant (1).
Genome position (GRCh38, 1-based): chr19:45,553,659, G>A on the plus strand (C>T on the coding strand, the complement: OPA3 is on the minus strand). VCF-style: chr19-45553659-G-A. GRCh37 (hg19) VCF-style: chr19-46056917-G-A.
Other names: c.143-24203C>T (NM_001017989.3); short protein forms A132V.
Identifiers: ClinVar variation 2928079 (VCV002928079.4), dbSNP rs758982194, ClinGen allele CA406370169.